The following is an entry in ClinVar:

NM_170707.4(LMNA):c.513+36C>T

Genes: LMNA (lamin A/C; plus strand), LOC126805877 (MED14-independent group 3 enhancer GRCh37_chr1:156099693-156100892; plus strand). Cytogenetic location: 1q22.
Variant type: single nucleotide variant.
Coding change: c.513+36C>T on transcript NM_170707.4 (MANE Select); 36 bases into the intron after coding-DNA position 513, C replaced by T.
Molecular consequence: intron variant.
Genome position (GRCh38, 1-based): chr1:156,130,809, C>T. VCF-style: chr1-156130809-C-T. GRCh37 (hg19) VCF-style: chr1-156100600-C-T.
Other names: c.513+36C>T (NM_001406983.1, NM_001282625.2, NM_001406984.1 and 6 more transcripts); c.-45-3594C>T (NM_001407002.1, NM_001406995.1, NM_001406990.1); c.-46+36C>T (NM_001406993.1, NM_001407003.1, NM_001406996.1 and 1 more transcripts); c.-152+36C>T (NM_001406999.1, NM_001407000.1, NM_001406994.1); c.270+36C>T (NM_001406986.1, NM_001406987.1, NM_001282624.2); c.-151-3594C>T (NM_001407001.1); c.177+36C>T (NM_001406989.1, NM_001257374.3, NM_001406998.1); c.216+36C>T (NM_001406988.1).
Identifiers: ClinVar variation 3031413 (VCV003031413.3), dbSNP rs559920681, ClinGen allele CA053626.

ClinVar aggregate classification (germline): Likely benign. Review status: criteria provided, single submitter (1 of 4 stars). 2 submissions from 2 submitters: Likely benign (1). 1 of the submissions does not count toward it. Last evaluated 2020-08-25.

Conditions:
LMNA-related disorder. Also called: LMNA-related condition; LMNA-related disease; LMNA-related disorders. Identifiers: MedGen CN380145.

Allele frequency attached by ClinVar (database versions not stated): gnomAD exomes 0.00002; gnomAD 0.00003; ExAC 0.00005; TOPMed 0.00006; 1000 Genomes Project 0.00020; 1000 Genomes Project 30x 0.00062.
gnomAD v4.1: 34 of 1,548,526 alleles (0.0022%); highest among the groups gnomAD compares: Middle Eastern, 0.023%; no homozygotes.

Submissions (2):

Blueprint Genetics
Classification: Likely benign. Last evaluated: 2020-08-25. Review status: criteria provided, single submitter. Criteria: ACMG Guidelines, 2015. Collection method: clinical testing. Allele origin: germline.

PreventionGenetics, part of Exact Sciences
Classification: Likely benign for LMNA-related condition. Last evaluated: 2021-09-08. Review status: no assertion criteria provided. Collection method: clinical testing. Allele origin: germline. Not counted in ClinVar's aggregate classification.
Comment: This variant is classified as likely benign based on ACMG/AMP sequence variant interpretation guidelines (Richards et al. 2015 PMID: 25741868, with internal and published modifications).